The following is an entry in ClinVar:

ClinVar aggregate classification (germline): Conflicting classifications of pathogenicity. Review status: criteria provided, conflicting classifications (1 of 4 stars). 4 submissions from 4 submitters: Uncertain significance (3); Likely benign (1). Last evaluated 2026-01-01.

Conditions:
Inborn genetic diseases. Identifiers: MedGen C0950123, MeSH D030342.
Vitamin D-dependent rickets, type 1A. Also called: VITAMIN D HYDROXYLATION-DEFICIENT RICKETS, TYPE 1A; PDDR IA; PSEUDOVITAMIN D-DEFICIENCY RICKETS, TYPE IA. Identifiers: MedGen CN283242, MONDO:0020723, OMIM 264700.

Allele frequency attached by ClinVar (database versions not stated): gnomAD 0.00004; ExAC 0.00005; TOPMed 0.00005; gnomAD exomes 0.00007.
gnomAD v4.1: 115 of 1,613,194 alleles (0.0071%); highest among the groups gnomAD compares: Non-Finnish European, 0.0091%; no homozygotes.

Submissions (4):

CeGaT Center for Human Genetics Tuebingen
Classification: Uncertain significance. Last evaluated: 2026-01-01. Review status: criteria provided, single submitter. Criteria: CeGaT Center For Human Genetics Tuebingen Variant Classification Criteria Version 2. Collection method: clinical testing. Allele origin: germline. Affected: yes. Observed: 1 variant allele.
Comment: CYP27B1: PM2, BP4

Ambry Genetics
Classification: Likely benign for Inborn genetic diseases. Last evaluated: 2024-11-04. Review status: criteria provided, single submitter. Criteria: Ambry Variant Classification Scheme 2023. Collection method: clinical testing. Allele origin: germline.

Labcorp Genetics (formerly Invitae), Labcorp
Classification: Uncertain significance. Last evaluated: 2022-10-18. Review status: criteria provided, single submitter. Criteria: Invitae Variant Classification Sherloc (09022015). Collection method: clinical testing. Allele origin: germline.
Comment: This sequence change replaces arginine, which is basic and polar, with cysteine, which is neutral and slightly polar, at codon 171 of the CYP27B1 protein (p.Arg171Cys). This variant is present in population databases (rs535463729, gnomAD 0.01%). This variant has not been reported in the literature in individuals affected with CYP27B1-related conditions. ClinVar contains an entry for this variant (Variation ID: 1443676). Advanced modeling of protein sequence and biophysical properties (such as structural, functional, and spatial information, amino acid conservation, physicochemical variation, residue mobility, and thermodynamic stability) performed at Invitae indicates that this missense variant is not expected to disrupt CYP27B1 protein function. In summary, the available evidence is currently insufficient to determine the role of this variant in disease. Therefore, it has been classified as a Variant of Uncertain Significance.

Fulgent Genetics
Classification: Uncertain significance for Vitamin D-dependent rickets, type 1A. Last evaluated: 2022-02-25. Review status: criteria provided, single submitter. Criteria: ACMG Guidelines, 2015. Collection method: clinical testing. Allele origin: unknown.

NM_000785.4(CYP27B1):c.511C>T (p.Arg171Cys)

Gene: CYP27B1 (cytochrome P450 family 27 subfamily B member 1; minus strand). Cytogenetic location: 12q14.1.
Variant type: single nucleotide variant.
Coding change: c.511C>T on transcript NM_000785.4 (MANE Select); coding-DNA position 511, C replaced by T.
Protein change: p.Arg171Cys; replaces arginine 171 with cysteine.
Molecular consequence: missense variant.
Genome position (GRCh38, 1-based): chr12:57,765,375, G>A on the plus strand (C>T on the coding strand, the complement: CYP27B1 is on the minus strand). VCF-style: chr12-57765375-G-A. GRCh37 (hg19) VCF-style: chr12-58159158-G-A.
Other names: c.511C>T (NM_000785.3); short protein forms R171C.
Identifiers: ClinVar variation 1443676 (VCV001443676.10), dbSNP rs535463729, ClinGen allele CA6658417.
Genomic context (GRCh38, chr12:57,765,375, plus strand): 5'-AAAATTCCCCCGCCACGTCCCGAACCAGGGCGGGCGGCCCCGTGCCACGTCCCCGCTGGC[G>A]CCTCAGACGCCGCACAAGGTCGCAGACTACGTTGTTCAGGGTTCCGGCGTAGCGGGCGGC-3'
Protein context (NP_000776.1, residues 161-181): VVCDLVRRLR[Arg171Cys]QRGRGTGPPA